The following is an entry in ClinVar:

ClinVar aggregate classification (germline): Uncertain significance (1 of 4 stars; one submission).

Submission:

Ambry Genetics
Classification: Uncertain significance. Last evaluated: 2025-05-19. Review status: criteria provided, single submitter. Criteria: Ambry Variant Classification Scheme 2023. Collection method: clinical testing. Allele origin: germline.
Comment: The p.Y380C variant (also known as c.1139A>G), located in coding exon 1 of the TET2 gene, results from an A to G substitution at nucleotide position 1139. The tyrosine at codon 380 is replaced by cysteine, an amino acid with highly dissimilar properties. This amino acid position is conserved. In addition, this alteration is predicted to be tolerated by in silico analysis. Based on the available evidence, the clinical significance of this variant remains unclear.

NM_001127208.3(TET2):c.1139A>G (p.Tyr380Cys)

Genes: TET2 (tet methylcytosine dioxygenase 2; plus strand), TET2-AS1 (TET2 antisense RNA 1; minus strand). Cytogenetic location: 4q24.
Variant type: single nucleotide variant.
Coding change: c.1139A>G on transcript NM_001127208.3 (MANE Select); coding-DNA position 1139, A replaced by G.
Protein change: p.Tyr380Cys; replaces tyrosine 380 with cysteine.
Molecular consequence: missense variant.
Genome position (GRCh38, 1-based): chr4:105,235,081, A>G. VCF-style: chr4-105235081-A-G. GRCh37 (hg19) VCF-style: chr4-106156238-A-G.
Other names: c.1139A>G, p.Tyr380Cys (NM_017628.4); short protein forms Y380C.
Identifiers: ClinVar variation 3967650 (VCV003967650.1).
Genomic context (GRCh38, chr4:105,235,081, plus strand): 5'-TGCAAGCTCCTGGTGGCAGCTCTGAACGGTATTTAAAACAAAATGAAATGAATGGTGCTT[A>G]CTTCAAGCAAAGCTCAGTGTTCACTAAGGATTCCTTTTCTGCCACTACCACACCACCACC-3'
Protein context (NP_001120680.1, residues 370-390): YLKQNEMNGA[Tyr380Cys]FKQSSVFTKD